The following is an entry in ClinVar:

NM_001194998.2(CEP152):c.14T>C (p.Phe5Ser)

Gene: CEP152 (centrosomal protein 152; minus strand). Cytogenetic location: 15q21.1.
Variant type: single nucleotide variant.
Coding change: c.14T>C on transcript NM_001194998.2 (MANE Select); coding-DNA position 14, T replaced by C.
Protein change: p.Phe5Ser; replaces phenylalanine 5 with serine.
Molecular consequence: missense variant.
Genome position (GRCh38, 1-based): chr15:48,805,636, A>G on the plus strand (T>C on the coding strand, the complement: CEP152 is on the minus strand). VCF-style: chr15-48805636-A-G. GRCh37 (hg19) VCF-style: chr15-49097833-A-G.
Other names: c.14T>C, p.Phe5Ser (NM_014985.4); short protein forms F5S.
Identifiers: ClinVar variation 2962411 (VCV002962411.3), dbSNP rs1380569944, ClinGen allele CA392345318.

ClinVar aggregate classification (germline): Uncertain significance (1 of 4 stars; one submission).

Allele frequency attached by ClinVar (database versions not stated): gnomAD exomes below 0.00001; gnomAD 0.00001.
gnomAD v4.1: 5 of 1,613,368 alleles (0.00031%); highest among the groups gnomAD compares: Admixed American, 0.0017%; no homozygotes.

Submission:

Labcorp Genetics (formerly Invitae), Labcorp
Classification: Uncertain significance. Last evaluated: 2024-01-12. Review status: criteria provided, single submitter. Criteria: Invitae Variant Classification Sherloc (09022015). Collection method: clinical testing. Allele origin: germline.
Comment: This sequence change replaces phenylalanine, which is neutral and non-polar, with serine, which is neutral and polar, at codon 5 of the CEP152 protein (p.Phe5Ser). This variant is present in population databases (no rsID available, gnomAD 0.003%). This variant has not been reported in the literature in individuals affected with CEP152-related conditions. An algorithm developed to predict the effect of missense changes on protein structure and function (PolyPhen-2) suggests that this variant is likely to be disruptive. In summary, the available evidence is currently insufficient to determine the role of this variant in disease. Therefore, it has been classified as a Variant of Uncertain Significance.